The following is an entry in ClinVar:

ClinVar aggregate classification (germline): Uncertain significance (1 of 4 stars; one submission).

Submission:

Ambry Genetics
Classification: Uncertain significance. Last evaluated: 2022-12-11. Review status: criteria provided, single submitter. Criteria: Ambry Variant Classification Scheme 2023. Collection method: clinical testing. Allele origin: germline.
Comment: The p.N2292S variant (also known as c.6875A>G), located in coding exon 24 of the POLQ gene, results from an A to G substitution at nucleotide position 6875. The asparagine at codon 2292 is replaced by serine, an amino acid with highly similar properties. This amino acid position is conserved. In addition, this alteration is predicted to be tolerated by in silico analysis. Since supporting evidence is limited at this time, the clinical significance of this alteration remains unclear.

NM_199420.4(POLQ):c.6875A>G (p.Asn2292Ser)

Gene: POLQ (DNA polymerase theta; minus strand). Cytogenetic location: 3q13.33.
Variant type: single nucleotide variant.
Coding change: c.6875A>G on transcript NM_199420.4 (MANE Select); coding-DNA position 6875, A replaced by G.
Protein change: p.Asn2292Ser; replaces asparagine 2292 with serine.
Molecular consequence: missense variant.
Genome position (GRCh38, 1-based): chr3:121,467,611, T>C on the plus strand (A>G on the coding strand, the complement: POLQ is on the minus strand). VCF-style: chr3-121467611-T-C. GRCh37 (hg19) VCF-style: chr3-121186458-T-C.
Other names: short protein forms N2292S.
Identifiers: ClinVar variation 2448933 (VCV002448933.2), dbSNP rs2546770209, ClinGen allele CA354110591.
Genomic context (GRCh38, chr3:121,467,611, plus strand): 5'-ATTGAAAATGGCATTCCTCTGTCTGCAGCTCTCTCCTCCATCTGTGCCTGGCATCTAGGA[T>C]TCACGCTGAAACCCTTCTTATATTTTCCTCTGTGGTGCAAACAACATCATCAGTTAGACA-3'
Protein context (NP_955452.3, residues 2282-2302): RGKYKKGFSV[Asn2292Ser]PRCQAQMEER